The following is an entry in ClinVar:

ClinVar aggregate classification (germline): Likely benign (0 of 4 stars; one submission).

Conditions:
SERPINA1-related disorder. Also called: SerpinA1-related disorders; SERPINA1-related condition.

Allele frequency attached by ClinVar (database versions not stated): gnomAD 0.00001.

Submission:

PreventionGenetics, part of Exact Sciences
Classification: Likely benign for SERPINA1-related condition. Last evaluated: 2023-06-13. Review status: no assertion criteria provided. Collection method: clinical testing. Allele origin: germline.
Comment: This variant is classified as likely benign based on ACMG/AMP sequence variant interpretation guidelines (Richards et al. 2015 PMID: 25741868, with internal and published modifications).

NM_000295.5(SERPINA1):c.-20C>A

Gene: SERPINA1 (serpin family A member 1; minus strand). Cytogenetic location: 14q32.13.
Variant type: single nucleotide variant.
Coding change: c.-20C>A on transcript NM_000295.5 (MANE Select); 20 bases upstream of the start codon, C replaced by A.
Molecular consequence: 5 prime UTR variant. On other transcripts: intron variant (2).
Genome position (GRCh38, 1-based): chr14:94,388,575, G>T on the plus strand (C>A on the coding strand, the complement: SERPINA1 is on the minus strand). VCF-style: chr14-94388575-G-T. GRCh37 (hg19) VCF-style: chr14-94854912-G-T.
Other names: c.-20C>A (NM_001002236.3, NM_001127701.2, NM_001127702.2 and 5 more transcripts); c.-5+1882C>A (NM_001002235.3); c.-5+1845C>A (NM_001127700.2).
Identifiers: ClinVar variation 3031775 (VCV003031775.2), dbSNP rs987828583, ClinGen allele CA265865296.